The following is an entry in ClinVar:

ClinVar aggregate classification (germline): Uncertain significance (1 of 4 stars; one submission).

Conditions:
Cardiovascular phenotype. Identifiers: MedGen CN230736.

Submission:

Ambry Genetics
Classification: Uncertain significance for Cardiovascular phenotype. Last evaluated: 2026-05-24. Review status: criteria provided, single submitter. Criteria: Ambry Variant Classification Scheme 2023. Collection method: clinical testing. Allele origin: germline.
Comment: The p.L430R variant (also known as c.1289T>G), located in coding exon 8 of the ABCC9 gene, results from a T to G substitution at nucleotide position 1289. The leucine at codon 430 is replaced by arginine, an amino acid with dissimilar properties. This amino acid position is conserved. In addition, this alteration is predicted to be deleterious by in silico analysis. Based on the available evidence, the clinical significance of this variant remains unclear.

NM_020297.4(ABCC9):c.1289T>G (p.Leu430Arg)

Gene: ABCC9 (ATP binding cassette subfamily C member 9; minus strand). Cytogenetic location: 12p12.1.
Variant type: single nucleotide variant.
Coding change: c.1289T>G on transcript NM_020297.4 (MANE Select); coding-DNA position 1289, T replaced by G.
Protein change: p.Leu430Arg; replaces leucine 430 with arginine.
Molecular consequence: missense variant.
Genome position (GRCh38, 1-based): chr12:21,910,188, A>C on the plus strand (T>G on the coding strand, the complement: ABCC9 is on the minus strand). VCF-style: chr12-21910188-A-C. GRCh37 (hg19) VCF-style: chr12-22063122-A-C.
Other names: c.1289T>G, p.Leu430Arg (NM_001377273.1, NM_005691.4); c.425T>G, p.Leu142Arg (NM_001377274.1); short protein forms L142R, L430R.
Identifiers: ClinVar variation 4861296 (VCV004861296.1).